The following is an entry in ClinVar:

NM_000143.4(FH):c.577A>G (p.Thr193Ala)

Gene: FH (fumarate hydratase; minus strand). Cytogenetic location: 1q43.
Variant type: single nucleotide variant.
Coding change: c.577A>G on transcript NM_000143.4 (MANE Select); coding-DNA position 577, A replaced by G.
Protein change: p.Thr193Ala; replaces threonine 193 with alanine.
Molecular consequence: missense variant.
Genome position (GRCh38, 1-based): chr1:241,508,764, T>C on the plus strand (A>G on the coding strand, the complement: FH is on the minus strand). VCF-style: chr1-241508764-T-C. GRCh37 (hg19) VCF-style: chr1-241672064-T-C.
Other names: short protein forms T193A.
Identifiers: ClinVar variation 1379289 (VCV001379289.6), dbSNP rs2147919685, ClinGen allele CA345439464.

ClinVar aggregate classification (germline): Uncertain significance (1 of 4 stars; one submission).

Submission:

Labcorp Genetics (formerly Invitae), Labcorp
Classification: Uncertain significance. Last evaluated: 2024-10-25. Review status: criteria provided, single submitter. Criteria: Invitae Variant Classification Sherloc (09022015). Collection method: clinical testing. Allele origin: germline.
Comment: This sequence change replaces threonine, which is neutral and polar, with alanine, which is neutral and non-polar, at codon 193 of the FH protein (p.Thr193Ala). This variant is not present in population databases (gnomAD no frequency). This variant has not been reported in the literature in individuals affected with FH-related conditions. ClinVar contains an entry for this variant (Variation ID: 1379289). Invitae Evidence Modeling of protein sequence and biophysical properties (such as structural, functional, and spatial information, amino acid conservation, physicochemical variation, residue mobility, and thermodynamic stability) has been performed for this missense variant. However, the output from this modeling did not meet the statistical confidence thresholds required to predict the impact of this variant on FH protein function. In summary, the available evidence is currently insufficient to determine the role of this variant in disease. Therefore, it has been classified as a Variant of Uncertain Significance.